The following is an entry in ClinVar:

NM_015450.3(POT1):c.1830del (p.Ser609_Tyr610insTer)

Gene: POT1 (protection of telomeres 1; minus strand). Cytogenetic location: 7q31.33.
Variant type: Deletion.
Coding change: c.1830del on transcript NM_015450.3 (MANE Select); coding-DNA position 1830, one base deleted (C; older notation c.1830delC).
Protein change: p.Ser609_Tyr610insTer.
Molecular consequence: nonsense. On other transcripts: non-coding transcript variant (3).
Genome position (GRCh38, 1-based): chr7:124,824,037, G deleted on the plus strand (C on the coding strand, the reverse complement: POT1 is on the minus strand). VCF-style (leftmost placement, unchanged base first): chr7-124824036-TG-T. GRCh37 (hg19) VCF-style: chr7-124464090-TG-T.
Other names: c.1437del, p.Ser478_Tyr479insTer (NM_001042594.2).
Identifiers: ClinVar variation 3652465 (VCV003652465.2).

ClinVar aggregate classification (germline): Uncertain significance (1 of 4 stars; one submission).

Conditions:
Tumor predisposition syndrome 3 (TPDS3). Also called: Melanoma, cutaneous malignant, susceptibility to, 10; Glioma susceptibility 9; LONG TELOMERE SYNDROME, POT1-RELATED; POT1 Tumor Predisposition. Identifiers: Orphanet 618, MedGen C4014476, MONDO:0014368, OMIM 615848.

Submission:

Labcorp Genetics (formerly Invitae), Labcorp
Classification: Uncertain significance for Tumor predisposition syndrome 3. Last evaluated: 2024-05-07. Review status: criteria provided, single submitter. Criteria: Invitae Variant Classification Sherloc (09022015). Collection method: clinical testing. Allele origin: germline.
Comment: This sequence change creates a premature translational stop signal (p.Tyr610*) in the POT1 gene. While this is not anticipated to result in nonsense mediated decay, it is expected to disrupt the last 25 amino acid(s) of the POT1 protein. This variant is not present in population databases (gnomAD no frequency). This variant has not been reported in the literature in individuals affected with POT1-related conditions. This variant disrupts a region of the POT1 protein in which other variant(s) (p.Asp617Glufs*9) have been observed in individuals with POT1-related conditions (PMID: 25482530). This suggests that this is a clinically significant region of the protein, and that variants that disrupt it are likely to be disease-causing. In summary, the available evidence is currently insufficient to determine the role of this variant in disease. Therefore, it has been classified as a Variant of Uncertain Significance.

Literature cited by the submitters: PubMed 25482530.